The following is an entry in ClinVar:

ClinVar aggregate classification (germline): Uncertain significance (1 of 4 stars; one submission).

gnomAD v4.1: 9 of 1,603,924 alleles (0.00056%); highest among the groups gnomAD compares: African/African-American, 0.011%; no homozygotes.

Submission:

Labcorp Genetics (formerly Invitae), Labcorp
Classification: Uncertain significance. Last evaluated: 2025-09-16. Review status: criteria provided, single submitter. Criteria: Invitae Variant Classification Sherloc (09022015). Collection method: clinical testing. Allele origin: germline.
Comment: This sequence change replaces aspartic acid, which is acidic and polar, with asparagine, which is neutral and polar, at codon 94 of the TMED7 protein (p.Asp94Asn). This variant is present in population databases (rs752449570, gnomAD 0.008%). This variant has not been reported in the literature in individuals affected with TMED7-related conditions. ClinVar contains an entry for this variant (Variation ID: 3681794). An algorithm developed to predict the effect of missense changes on protein structure and function (PolyPhen-2) suggests that this variant is likely to be disruptive. In summary, the available evidence is currently insufficient to determine the role of this variant in disease. Therefore, it has been classified as a Variant of Uncertain Significance.

NM_181836.6(TMED7):c.280G>A (p.Asp94Asn)

Genes: TMED7 (transmembrane p24 trafficking protein 7; minus strand), TMED7-TICAM2 (TMED7-TICAM2 readthrough; minus strand). Cytogenetic location: 5q22.3.
Variant type: single nucleotide variant.
Coding change: c.280G>A on transcript NM_181836.6 (MANE Select); coding-DNA position 280, G replaced by A.
Protein change: p.Asp94Asn; replaces aspartic acid 94 with asparagine.
Molecular consequence: missense variant.
Genome position (GRCh38, 1-based): chr5:115,620,593, C>T on the plus strand (G>A on the coding strand, the complement: TMED7 is on the minus strand). VCF-style: chr5-115620593-C-T. GRCh37 (hg19) VCF-style: chr5-114956290-C-T.
Other names: c.280G>A, p.Asp94Asn (NM_001164468.4, NM_001164469.4); short protein forms D94N.
Identifiers: ClinVar variation 3681794 (VCV003681794.2).